The following is an entry in ClinVar:

ClinVar aggregate classification (germline): Uncertain significance (1 of 4 stars; one submission).

Conditions:
Neuropathy, hereditary sensory and autonomic, type 1C. Also called: HSAN IC; HSN IC. Identifiers: Orphanet 36386, MedGen C3150896, MONDO:0013337, OMIM 613640.

gnomAD v4.1: 5 of 1,614,136 alleles (0.00031%); highest among the groups gnomAD compares: Non-Finnish European, 0.00042%; no homozygotes.

Submission:

Labcorp Genetics (formerly Invitae), Labcorp
Classification: Uncertain significance for Neuropathy, hereditary sensory and autonomic, type 1C. Last evaluated: 2023-10-04. Review status: criteria provided, single submitter. Criteria: Invitae Variant Classification Sherloc (09022015). Collection method: clinical testing. Allele origin: germline.
Comment: This sequence change replaces isoleucine, which is neutral and non-polar, with leucine, which is neutral and non-polar, at codon 166 of the SPTLC2 protein (p.Ile166Leu). This variant is not present in population databases (gnomAD no frequency). This variant has not been reported in the literature in individuals affected with SPTLC2-related conditions. ClinVar contains an entry for this variant (Variation ID: 639260). Advanced modeling of protein sequence and biophysical properties (such as structural, functional, and spatial information, amino acid conservation, physicochemical variation, residue mobility, and thermodynamic stability) performed at Invitae indicates that this missense variant is not expected to disrupt SPTLC2 protein function. In summary, the available evidence is currently insufficient to determine the role of this variant in disease. Therefore, it has been classified as a Variant of Uncertain Significance.

NM_004863.4(SPTLC2):c.496A>T (p.Ile166Leu)

Gene: SPTLC2 (serine palmitoyltransferase long chain base subunit 2; minus strand). Cytogenetic location: 14q24.3.
Variant type: single nucleotide variant.
Coding change: c.496A>T on transcript NM_004863.4 (MANE Select); coding-DNA position 496, A replaced by T.
Protein change: p.Ile166Leu; replaces isoleucine 166 with leucine.
Molecular consequence: missense variant.
Genome position (GRCh38, 1-based): chr14:77,576,902, T>A on the plus strand (A>T on the coding strand, the complement: SPTLC2 is on the minus strand). VCF-style: chr14-77576902-T-A. GRCh37 (hg19) VCF-style: chr14-78043245-T-A.
Other names: short protein forms I166L.
Identifiers: ClinVar variation 639260 (VCV000639260.8), dbSNP rs1355725205, ClinGen allele CA390699483.